The following is an entry in ClinVar:

ClinVar aggregate classification (germline): Conflicting classifications of pathogenicity. Review status: criteria provided, conflicting classifications (1 of 4 stars). 7 submissions from 7 submitters: Uncertain significance (1); Likely benign (4). 2 of the submissions do not count toward it. Last evaluated 2026-09-01.

Conditions:
Cardiovascular phenotype. Identifiers: MedGen CN230736.
Cardiac arrhythmia. Also called: Arrhythmia; Cardiac rhythm disease. Identifiers: MedGen C0003811, MONDO:0007263, HP:0011675.
Long QT syndrome 2 (LQT2). Identifiers: Orphanet 101016, Orphanet 768, MedGen C3150943, MONDO:0013367, OMIM 613688.
Short QT syndrome type 1. Identifiers: Orphanet 51083, MedGen C1865020, MONDO:0012312, OMIM 609620.
Long QT syndrome (LQTS). Identifiers: MedGen C0023976, MeSH D008133, MONDO:0002442. Disease mechanism: loss of function. Inheritance: Various modes of inheritance.

Allele frequency attached by ClinVar (database versions not stated): gnomAD 0.00005; gnomAD exomes 0.00005; TOPMed 0.00006; ExAC 0.00067.
gnomAD v4.1: 93 of 1,583,158 alleles (0.0059%); highest among the groups gnomAD compares: Admixed American, 0.12%; no homozygotes.

Submissions (7):

CeGaT Center for Human Genetics Tuebingen
Classification: Likely benign. Last evaluated: 2026-09-01. Review status: criteria provided, single submitter. Criteria: CeGaT Center For Human Genetics Tuebingen Variant Classification Criteria Version 2. Collection method: clinical testing. Allele origin: germline. Affected: yes. Observed: 8 variant alleles.
Comment: KCNH2: BS1

Labcorp Genetics (formerly Invitae), Labcorp
Classification: Likely benign for Long QT syndrome. Last evaluated: 2025-12-14. Review status: criteria provided, single submitter. Criteria: Invitae Variant Classification Sherloc (09022015). Collection method: clinical testing. Allele origin: germline.

Ambry Genetics
Classification: Likely benign for Cardiovascular phenotype. Last evaluated: 2021-09-14. Review status: criteria provided, single submitter. Criteria: Ambry Variant Classification Scheme 2023. Collection method: clinical testing. Allele origin: germline.

Fulgent Genetics
Classification: Uncertain significance for Short QT syndrome type 1; Long QT syndrome 2. Last evaluated: 2018-10-31. Review status: criteria provided, single submitter. Criteria: ACMG Guidelines, 2015. Collection method: clinical testing. Allele origin: unknown.

Color Diagnostics, LLC DBA Color Health
Classification: Likely benign for Arrhythmia. Last evaluated: 2018-09-16. Review status: criteria provided, single submitter. Criteria: ACMG Guidelines, 2015. Collection method: clinical testing. Allele origin: germline.

Clinical Genetics, Academic Medical Center
Classification: Likely benign. Review status: no assertion criteria provided. Collection method: clinical testing. Allele origin: germline. Affected: yes. Study: VKGL Data-share Consensus. Not counted in ClinVar's aggregate classification.

Joint Genome Diagnostic Labs from Nijmegen and Maastricht, Radboudumc and MUMC+
Classification: Likely benign. Review status: no assertion criteria provided. Collection method: clinical testing. Allele origin: germline. Affected: yes. Study: VKGL Data-share Consensus. Not counted in ClinVar's aggregate classification.

Literature cited by the submitters: PubMed 22677073 (cited by Ambry Genetics); PubMed 28988457 (cited by Ambry Genetics).

NM_000238.4(KCNH2):c.3436A>T (p.Thr1146Ser)

Gene: KCNH2 (potassium voltage-gated channel subfamily H member 2; minus strand). Cytogenetic location: 7q36.1.
Variant type: single nucleotide variant.
Coding change: c.3436A>T on transcript NM_000238.4 (MANE Select); coding-DNA position 3436, A replaced by T.
Protein change: p.Thr1146Ser; replaces threonine 1146 with serine.
Molecular consequence: missense variant.
Genome position (GRCh38, 1-based): chr7:150,945,409, T>A on the plus strand (A>T on the coding strand, the complement: KCNH2 is on the minus strand). VCF-style: chr7-150945409-T-A. GRCh37 (hg19) VCF-style: chr7-150642497-T-A.
Other names: c.2416A>T, p.Thr806Ser (NM_172057.3); short protein forms T1146S, T806S.
Identifiers: ClinVar variation 359301 (VCV000359301.53), dbSNP rs778879572, ClinGen allele CA039013.